The following is an entry in ClinVar:

NM_001148.6(ANK2):c.10016C>T (p.Ala3339Val)

Gene: ANK2 (ankyrin 2; plus strand). Cytogenetic location: 4q26.
Variant type: single nucleotide variant.
Coding change: c.10016C>T on transcript NM_001148.6 (MANE Select); coding-DNA position 10016, C replaced by T.
Protein change: p.Ala3339Val; replaces alanine 3339 with valine.
Molecular consequence: missense variant. On other transcripts: intron variant (68).
Genome position (GRCh38, 1-based): chr4:113,358,634, C>T. VCF-style: chr4-113358634-C-T. GRCh37 (hg19) VCF-style: chr4-114279790-C-T.
Other names: c.9782C>T, p.Ala3261Val (NM_001386142.1); c.6416C>T, p.Ala2139Val (NM_001386166.1); c.10157C>T, p.Ala3386Val (NM_001386174.1); c.10133C>T, p.Ala3378Val (NM_001386175.1); c.4412-2189C>T (NM_001386186.2, NM_001386148.2); c.4214-2189C>T (NM_001354269.3); c.4292-2189C>T (NM_001386187.2); c.4253-2189C>T (NM_001386147.1); and 35 more; short protein forms A3339V, A2139V, A3261V, A3378V, A3386V.
Identifiers: ClinVar variation 373621 (VCV000373621.9), dbSNP rs150437645, ClinGen allele CA3052014.

ClinVar aggregate classification (germline): Conflicting classifications of pathogenicity. Review status: criteria provided, conflicting classifications (1 of 4 stars). 4 submissions from 4 submitters: Uncertain significance (3); Likely benign (1). Last evaluated 2024-12-15.

Conditions:
Cardiovascular phenotype. Identifiers: MedGen CN230736.
Long QT syndrome (LQTS). Identifiers: MedGen C0023976, MeSH D008133, MONDO:0002442. Disease mechanism: loss of function. Inheritance: Various modes of inheritance.
Cardiac arrhythmia, ankyrin-B-related. Also called: ANKYRIN-B SYNDROME. Identifiers: Orphanet 101016, Orphanet 768, MedGen C1970119, MONDO:0010958, OMIM 600919.

Allele frequency attached by ClinVar (database versions not stated): ExAC 0.00002; gnomAD exomes 0.00003 and 0.00004; gnomAD 0.00005 and 0.00006; ESP Exome Variant Server 0.00008; TOPMed 0.00008.
gnomAD v4.1: 46 of 1,612,404 alleles (0.0029%); highest among the groups gnomAD compares: Middle Eastern, 0.016%; no homozygotes.

Submissions (4):

Labcorp Genetics (formerly Invitae), Labcorp
Classification: Uncertain significance for Long QT syndrome. Last evaluated: 2024-12-15. Review status: criteria provided, single submitter. Criteria: Invitae Variant Classification Sherloc (09022015). Collection method: clinical testing. Allele origin: germline.
Comment: This sequence change replaces alanine, which is neutral and non-polar, with valine, which is neutral and non-polar, at codon 3339 of the ANK2 protein (p.Ala3339Val). This variant is present in population databases (rs150437645, gnomAD 0.02%). This variant has not been reported in the literature in individuals affected with ANK2-related conditions. ClinVar contains an entry for this variant (Variation ID: 373621). An algorithm developed to predict the effect of missense changes on protein structure and function (PolyPhen-2) suggests that this variant is likely to be tolerated. In summary, the available evidence is currently insufficient to determine the role of this variant in disease. Therefore, it has been classified as a Variant of Uncertain Significance.

Ambry Genetics
Classification: Likely benign for Cardiovascular phenotype. Last evaluated: 2022-04-20. Review status: criteria provided, single submitter. Criteria: Ambry Variant Classification Scheme 2023. Collection method: clinical testing. Allele origin: germline.

Fulgent Genetics
Classification: Uncertain significance for Cardiac arrhythmia, ankyrin-B-related. Last evaluated: 2021-09-16. Review status: criteria provided, single submitter. Criteria: ACMG Guidelines, 2015. Collection method: clinical testing. Allele origin: unknown.

GeneDx
Classification: Uncertain significance. Last evaluated: 2016-11-29. Review status: criteria provided, single submitter. Criteria: GeneDx Variant Classification (06012015). Collection method: clinical testing. Allele origin: germline. Affected: yes.
Comment: A variant of uncertain significance has been identified in the ANK2 gene. The A3339V variant has not been published as a pathogenic variant, nor has it been reported as a benign variant to our knowledge. This variant was not observed with any significant frequency in approximately 6,500 individuals of European and African American ancestry in the NHLBI Exome Sequencing Project, indicating it is not a common benign variant in these populations. However, A3339V is a conservative amino acid substitution, which is not likely to impact secondary protein structure as these residues share similar properties. Furthermore, this substitution occurs at a position that is not conserved across species and in silico analysis is inconsistent in its predictions as to whether or not the variant is damaging to the protein structure/function.Therefore, based on the currently available information, it is unclear whether this variant is pathogenic or rare benign.